The following is an entry in ClinVar:

NM_033225.6(CSMD1):c.2729C>G (p.Pro910Arg)

Gene: CSMD1 (CUB and Sushi multiple domains 1; minus strand). Cytogenetic location: 8p23.2.
Variant type: single nucleotide variant.
Coding change: c.2729C>G on transcript NM_033225.6 (MANE Select); coding-DNA position 2729, C replaced by G.
Protein change: p.Pro910Arg; replaces proline 910 with arginine.
Molecular consequence: missense variant.
Genome position (GRCh38, 1-based): chr8:3,387,547, G>C on the plus strand (C>G on the coding strand, the complement: CSMD1 is on the minus strand). VCF-style: chr8-3387547-G-C. GRCh37 (hg19) VCF-style: chr8-3245069-G-C.
Other names: short protein forms P910R.
Identifiers: ClinVar variation 2635629 (VCV002635629.2), dbSNP rs778028015, ClinGen allele CA370207499.

ClinVar aggregate classification (germline): Likely pathogenic (0 of 4 stars; one submission).

Conditions:
CSMD1-related disorder. Also called: CSMD1-related condition.

Submission:

PreventionGenetics, part of Exact Sciences
Classification: Likely pathogenic for CSMD1-related condition. Last evaluated: 2024-04-30. Review status: no assertion criteria provided. Collection method: clinical testing. Allele origin: germline.
Comment: The CSMD1 c.2729C>G variant is predicted to result in the amino acid substitution p.Pro910Arg. To our knowledge, this variant has not been reported in the literature or in a large population database, indicating this variant is rare. De novo missense variants in CSMD1 have been reported in many patients with autism and other neurodevelopmental disorders (see Zhou et al. 2022. PubMed ID: 35982159; Turner et al. 2019. PubMed ID: 31785789, Table S2 and Guo. 2019. PubMed ID: 30504930, Supplementary Table S2). This variant is interpreted as likely pathogenic.